The following is an entry in ClinVar:

ClinVar aggregate classification (germline): Uncertain significance (1 of 4 stars; one submission).

Conditions:
Emery-Dreifuss muscular dystrophy 5, autosomal dominant (EDMD5). Also called: EMERY-DREIFUSS MUSCULAR DYSTROPHY 5. Identifiers: Orphanet 261, MedGen C2751805, MONDO:0013072, OMIM 612999.

gnomAD v4.1: 1 of 1,613,730 alleles (0.000062%); highest among the groups gnomAD compares: Non-Finnish European, 0.000085%; no homozygotes.

Submission:

Labcorp Genetics (formerly Invitae), Labcorp
Classification: Uncertain significance for Emery-Dreifuss muscular dystrophy 5, autosomal dominant. Last evaluated: 2024-05-27. Review status: criteria provided, single submitter. Criteria: Invitae Variant Classification Sherloc (09022015). Collection method: clinical testing. Allele origin: germline.
Comment: This sequence change replaces threonine, which is neutral and polar, with alanine, which is neutral and non-polar, at codon 5662 of the SYNE2 protein (p.Thr5662Ala). This variant is not present in population databases (gnomAD no frequency). This variant has not been reported in the literature in individuals affected with SYNE2-related conditions. Algorithms developed to predict the effect of missense changes on protein structure and function output the following: SIFT: "Not Available"; PolyPhen-2: "Benign"; Align-GVGD: "Not Available". The alanine amino acid residue is found in multiple mammalian species, which suggests that this missense change does not adversely affect protein function. In summary, the available evidence is currently insufficient to determine the role of this variant in disease. Therefore, it has been classified as a Variant of Uncertain Significance.

NM_182914.3(SYNE2):c.16984A>G (p.Thr5662Ala)

Gene: SYNE2 (spectrin repeat containing nuclear envelope protein 2; plus strand). Cytogenetic location: 14q23.2.
Variant type: single nucleotide variant.
Coding change: c.16984A>G on transcript NM_182914.3 (MANE Select); coding-DNA position 16984, A replaced by G.
Protein change: p.Thr5662Ala; replaces threonine 5662 with alanine.
Molecular consequence: missense variant.
Genome position (GRCh38, 1-based): chr14:64,168,955, A>G. VCF-style: chr14-64168955-A-G. GRCh37 (hg19) VCF-style: chr14-64635673-A-G.
Other names: c.16984A>G, p.Thr5662Ala (NM_015180.6); short protein forms T5662A.
Identifiers: ClinVar variation 3682152 (VCV003682152.2).